The following is an entry in ClinVar:

NM_080425.4(GNAS):c.1575G>C (p.Lys525Asn)

Gene: GNAS (GNAS complex locus; plus strand). Cytogenetic location: 20q13.32.
Variant type: single nucleotide variant.
Coding change: c.1575G>C on transcript NM_080425.4 (MANE Plus Clinical); coding-DNA position 1575, G replaced by C.
Protein change: p.Lys525Asn; replaces lysine 525 with asparagine.
Molecular consequence: missense variant. On other transcripts: intron variant (3).
Genome position (GRCh38, 1-based): chr20:58,854,840, G>C. VCF-style: chr20-58854840-G-C. GRCh37 (hg19) VCF-style: chr20-57429895-G-C.
Other names: c.1388G>C, p.Arg463Thr (NM_001077490.3, NM_001309883.1); c.1575G>C, p.Lys525Asn (NM_001410913.1); c.*42+13954G>C (NM_016592.5); c.43+13954G>C (NM_001410912.1); c.-39+12965G>C (NM_001309861.2); short protein forms K525N, R463T.
Identifiers: ClinVar variation 4986005 (VCV004986005.1).

ClinVar aggregate classification (germline): Uncertain significance (1 of 4 stars; one submission).

Conditions:
GNAS-related disorder. Identifiers: MedGen CN380105.

gnomAD v4.1: 3 of 1,596,618 alleles (0.00019%); highest among the groups gnomAD compares: African/African-American, 0.0013%; no homozygotes.

Submission:

PreventionGenetics, part of Exact Sciences
Classification: Uncertain significance for GNAS-related condition. Last evaluated: 2025-11-05. Review status: criteria provided, single submitter. Criteria: ACMG Guidelines, 2015. Collection method: clinical testing. Allele origin: germline.
Comment: The GNAS c.1575G>C variant is predicted to result in the amino acid substitution p.Lys525Asn. To our knowledge, this variant has not been reported in the literature. This variant is reported in 0.011% of alleles in individuals of African descent in gnomAD. Although we suspect that this variant may be benign, the clinical significance of this variant is uncertain at this time due to the absence of conclusive functional and genetic evidence.